The following is an entry in ClinVar:

NM_001009944.3(PKD1):c.4462T>A (p.Ser1488Thr)

Gene: PKD1 (polycystin 1, transient receptor potential channel interacting; minus strand). Cytogenetic location: 16p13.3.
Variant type: single nucleotide variant.
Coding change: c.4462T>A on transcript NM_001009944.3 (MANE Select); coding-DNA position 4462, T replaced by A.
Protein change: p.Ser1488Thr; replaces serine 1488 with threonine.
Molecular consequence: missense variant.
Genome position (GRCh38, 1-based): chr16:2,110,705, A>T on the plus strand (T>A on the coding strand, the complement: PKD1 is on the minus strand). VCF-style: chr16-2110705-A-T. GRCh37 (hg19) VCF-style: chr16-2160706-A-T.
Other names: c.4462T>A, p.Ser1488Thr (NM_000296.4); short protein forms S1488T.
Identifiers: ClinVar variation 3579516 (VCV003579516.2).

ClinVar aggregate classification (germline): Uncertain significance. Review status: criteria provided, multiple submitters, no conflicts (2 of 4 stars). 2 submissions from 2 submitters: Uncertain significance (2). Last evaluated 2026-01-30.

Conditions:
PKD1-related disorder. Also called: PKD1-related condition.
Polycystic kidney disease, adult type (PKD1). Also called: Polycystic Kidney Disease 1, Autosomal Dominant; Polycystic kidney disease 1; Polycystic kidney disease 1, severe; Polycystic Kidney, Autosomal Dominant; POLYCYSTIC KIDNEY DISEASE, ADULT, TYPE I; POLYCYSTIC KIDNEY DISEASE 1 WITH OR WITHOUT POLYCYSTIC LIVER DISEASE. Identifiers: MedGen C3149841, MONDO:0008263, OMIM 173900.

gnomAD v4.1: 7 of 1,610,552 alleles (0.00043%); highest among the groups gnomAD compares: Middle Eastern, 0.022%; no homozygotes.

Submissions (2):

PreventionGenetics, part of Exact Sciences
Classification: Uncertain significance for PKD1-related condition. Last evaluated: 2026-01-30. Review status: criteria provided, single submitter. Criteria: ACMG Guidelines, 2015. Collection method: clinical testing. Allele origin: germline.
Comment: The PKD1 c.4462T>A variant is predicted to result in the amino acid substitution p.Ser1488Thr. To our knowledge, this variant has not been reported in the literature. This variant is reported in 0.0037% of alleles in individuals of European (Non-Finnish) descent in gnomAD. Of note, a different substitution at the same codon, defined as c.4462T>C (p.Ser1488Pro), was reported in an individual with autosomal dominant polycystic kidney disease (ADPKD) (Supplemental Table 3, Cornec-Le Gall et al. 2016. PubMed ID: 26150605). At this time, the clinical significance of the c.4462T>A (p.Ser1488Thr) variant is uncertain due to the absence of conclusive functional and genetic evidence.

Fulgent Genetics
Classification: Uncertain significance for Polycystic kidney disease, adult type. Last evaluated: 2024-03-02. Review status: criteria provided, single submitter. Criteria: ACMG Guidelines, 2015. Collection method: clinical testing. Allele origin: germline.